The following is an entry in ClinVar:

NM_000071.3(CBS):c.1139A>G (p.Asn380Ser)

Gene: CBS (cystathionine beta-synthase; minus strand). Cytogenetic location: 21q22.3.
Variant type: single nucleotide variant.
Coding change: c.1139A>G on transcript NM_000071.3 (MANE Select); coding-DNA position 1139, A replaced by G.
Protein change: p.Asn380Ser; replaces asparagine 380 with serine.
Molecular consequence: missense variant.
Genome position (GRCh38, 1-based): chr21:43,060,447, T>C on the plus strand (A>G on the coding strand, the complement: CBS is on the minus strand). VCF-style: chr21-43060447-T-C. GRCh37 (hg19) VCF-style: chr21-44480557-T-C.
Other names: c.1139A>G, p.Asn380Ser (NM_001178008.3, NM_001178009.3, NM_001320298.2); c.824A>G, p.Asn275Ser (NM_001321072.1); short protein forms N275S, N380S.
Identifiers: ClinVar variation 4535759 (VCV004535759.1).

ClinVar aggregate classification (germline): Uncertain significance (1 of 4 stars; one submission).

Submission:

Women's Health and Genetics/Laboratory Corporation of America, LabCorp
Classification: Uncertain significance. Last evaluated: 2025-09-05. Review status: criteria provided, single submitter. Criteria: LabCorp Variant Classification Summary - May 2015. Collection method: clinical testing. Allele origin: germline.
Comment: Variant summary: CBS c.1139A>G (p.Asn380Ser) results in a conservative amino acid change in the encoded protein sequence. Algorithms developed to predict the effect of missense changes on protein structure and function are either unavailable or do not agree on the potential impact of this missense change. The variant was absent in 249472 control chromosomes. The available data on variant occurrences in the general population are insufficient to allow any conclusion about variant significance. c.1139A>G has been observed in an individual affected with Homocystinuria (Hidalgo_2014). These data do not allow any conclusion about variant significance. To our knowledge, no experimental evidence demonstrating an impact on protein function has been reported. The following publication has been ascertained in the context of this evaluation (PMID: 23812867). No submitters have cited clinical-significance assessments for this variant to ClinVar. Based on the evidence outlined above, the variant was classified as uncertain significance.

Literature cited by the submitters: PubMed 23812867.